The following is an entry in ClinVar:

ClinVar aggregate classification (germline): Pathogenic (1 of 4 stars; one submission).

Conditions:
Hypertrophic cardiomyopathy. Also called: HYPERTROPHIC MYOCARDIOPATHY. Identifiers: Orphanet 217569, MedGen C0007194, MeSH D002312, MONDO:0005045, HP:0001639.

Submission:

Labcorp Genetics (formerly Invitae), Labcorp
Classification: Pathogenic for Hypertrophic cardiomyopathy. Last evaluated: 2023-04-06. Review status: criteria provided, single submitter. Criteria: Invitae Variant Classification Sherloc (09022015). Collection method: clinical testing. Allele origin: germline.
Comment: For these reasons, this variant has been classified as Pathogenic. This sequence change creates a premature translational stop signal (p.Ile983Argfs*8) in the MYBPC3 gene. It is expected to result in an absent or disrupted protein product. Loss-of-function variants in MYBPC3 are known to be pathogenic (PMID: 19574547). This variant is not present in population databases (gnomAD no frequency). This variant has not been reported in the literature in individuals affected with MYBPC3-related conditions.

Literature cited by the submitters: PubMed 19574547.

NM_000256.3(MYBPC3):c.2948_2951del (p.Ile983fs)

Gene: MYBPC3 (myosin binding protein C3; minus strand). Cytogenetic location: 11p11.2.
Variant type: Deletion.
Coding change: c.2948_2951del on transcript NM_000256.3 (MANE Select); coding-DNA positions 2948 to 2951, 4 bases deleted (TTCA; older notation c.2948_2951delTTCA).
Protein change: p.Ile983fs; shifts the reading frame from isoleucine 983.
Molecular consequence: frameshift variant.
Genome position (GRCh38, 1-based): chr11:47,333,965-47,333,968, TGAA deleted on the plus strand (TTCA on the coding strand, the reverse complement: MYBPC3 is on the minus strand); deleting any 4 consecutive bases within chr11:47,333,965-47,333,970 gives the same sequence; the c. name uses the placement nearest the transcript's 3' end. VCF-style (leftmost placement, unchanged base first): chr11-47333964-CTGAA-C. GRCh37 (hg19) VCF-style: chr11-47355515-CTGAA-C.
Other names: short protein forms I983fs.
Identifiers: ClinVar variation 2852459 (VCV002852459.3), dbSNP rs2495742730, ClinGen allele CA2739270417.